The following is an entry in ClinVar:

NM_001040716.2(PC):c.1937C>G (p.Ala646Gly)

Gene: PC (pyruvate carboxylase; minus strand). Cytogenetic location: 11q13.2.
Variant type: single nucleotide variant.
Coding change: c.1937C>G on transcript NM_001040716.2 (MANE Select); coding-DNA position 1937, C replaced by G.
Protein change: p.Ala646Gly; replaces alanine 646 with glycine.
Molecular consequence: missense variant.
Genome position (GRCh38, 1-based): chr11:66,851,835, G>C on the plus strand (C>G on the coding strand, the complement: PC is on the minus strand). VCF-style: chr11-66851835-G-C. GRCh37 (hg19) VCF-style: chr11-66619306-G-C.
Other names: c.1937C>G, p.Ala646Gly (NM_000920.4, NM_022172.3); short protein forms A646G.
Identifiers: ClinVar variation 1447575 (VCV001447575.4), dbSNP rs1565213970, ClinGen allele CA381494393.

ClinVar aggregate classification (germline): Uncertain significance (1 of 4 stars; one submission).

Conditions:
Pyruvate carboxylase deficiency. Also called: ATAXIA WITH LACTIC ACIDOSIS II; LEIGH NECROTIZING ENCEPHALOPATHY DUE TO PYRUVATE CARBOXYLASE DEFICIENCY; LEIGH SYNDROME DUE TO PYRUVATE CARBOXYLASE DEFICIENCY; PC DEFICIENCY; Pyruvate Carboxylase Deficiency Disease. Identifiers: Orphanet 3008, MedGen C0034341, MONDO:0009949, OMIM 266150.

gnomAD v4.1: 1 of 1,614,102 alleles (0.000062%); highest among the groups gnomAD compares: Admixed American, 0.0017%; no homozygotes.

Submission:

Labcorp Genetics (formerly Invitae), Labcorp
Classification: Uncertain significance for Pyruvate carboxylase deficiency. Last evaluated: 2024-10-07. Review status: criteria provided, single submitter. Criteria: Invitae Variant Classification Sherloc (09022015). Collection method: clinical testing. Allele origin: germline.
Comment: This sequence change replaces alanine, which is neutral and non-polar, with glycine, which is neutral and non-polar, at codon 646 of the PC protein (p.Ala646Gly). This variant is not present in population databases (gnomAD no frequency). This variant has not been reported in the literature in individuals affected with PC-related conditions. ClinVar contains an entry for this variant (Variation ID: 1447575). Invitae Evidence Modeling of protein sequence and biophysical properties (such as structural, functional, and spatial information, amino acid conservation, physicochemical variation, residue mobility, and thermodynamic stability) has been performed for this missense variant. However, the output from this modeling did not meet the statistical confidence thresholds required to predict the impact of this variant on PC protein function. In summary, the available evidence is currently insufficient to determine the role of this variant in disease. Therefore, it has been classified as a Variant of Uncertain Significance.